The following is an entry in ClinVar:

NM_015409.5(EP400):c.6207+9_6207+17del

Gene: EP400 (E1A binding protein p400; plus strand). Cytogenetic location: 12q24.33.
Variant type: Deletion.
Coding change: c.6207+9_6207+17del on transcript NM_015409.5 (MANE Select); bases 9 to 17 of the intron after coding-DNA position 6207, 9 bases deleted (ACATTGAAT; older notation c.6207+9_6207+17delACATTGAAT).
Molecular consequence: intron variant.
Genome position (GRCh38, 1-based): chr12:132,038,105-132,038,113, ACATTGAAT deleted; deleting any 9 consecutive bases within chr12:132,038,101-132,038,113 gives the same sequence; the c. name uses the placement nearest the transcript's 3' end. VCF-style (leftmost placement, unchanged base first): chr12-132038100-AGAATACATT-A. GRCh37 (hg19) VCF-style: chr12-132522645-AGAATACATT-A.
Identifiers: ClinVar variation 3038659 (VCV003038659.2), dbSNP rs532409864, ClinGen allele CA6886310.

ClinVar aggregate classification (germline): Likely benign (0 of 4 stars; one submission).

Conditions:
EP400-related disorder. Also called: EP400-related condition.

Submission:

PreventionGenetics, part of Exact Sciences
Classification: Likely benign for EP400-related condition. Last evaluated: 2020-02-17. Review status: no assertion criteria provided. Collection method: clinical testing. Allele origin: germline.
Comment: This variant is classified as likely benign based on ACMG/AMP sequence variant interpretation guidelines (Richards et al. 2015 PMID: 25741868, with internal and published modifications).